The following is an entry in ClinVar:

NM_005982.4(SIX1):c.679G>T (p.Asp227Tyr)

Gene: SIX1 (SIX homeobox 1; minus strand). Cytogenetic location: 14q23.1.
Variant type: single nucleotide variant.
Coding change: c.679G>T on transcript NM_005982.4 (MANE Select); coding-DNA position 679, G replaced by T.
Protein change: p.Asp227Tyr; replaces aspartic acid 227 with tyrosine.
Molecular consequence: missense variant.
Genome position (GRCh38, 1-based): chr14:60,646,459, C>A on the plus strand (G>T on the coding strand, the complement: SIX1 is on the minus strand). VCF-style: chr14-60646459-C-A. GRCh37 (hg19) VCF-style: chr14-61113177-C-A.
Other names: short protein forms D227Y.
Identifiers: ClinVar variation 633689 (VCV000633689.10), dbSNP rs144481204, ClinGen allele CA7212741.
Genomic context (GRCh38, chr14:60,646,459, plus strand): 5'-AATAGTTTGAGCTCCTGGCGTGGCCCATATTGCCCTGCAGCAGAAGGACCGAGTTCTGGT[C>A]TGGACTTTGGGGAGGTGAGAATTCCTCTTCTGAGCTGGACATGAGCGGCTTGCCCCCTTC-3'
Protein context (NP_005973.1, residues 217-237): EEEFSPPQSP[Asp227Tyr]QNSVLLLQGN

ClinVar aggregate classification (germline): Conflicting classifications of pathogenicity. Review status: criteria provided, conflicting classifications (1 of 4 stars). 6 submissions from 5 submitters: Uncertain significance (2); Benign (1); Likely benign (2). 1 of the submissions does not count toward it. Last evaluated 2024-10-26.

Conditions:
Autosomal dominant nonsyndromic hearing loss 23. Identifiers: Orphanet 90635, MedGen C1854594, MONDO:0011519, OMIM 605192.
Branchiootic syndrome 3 (BOS3). Also called: BO SYNDROME 3. Identifiers: MedGen C1842124, MONDO:0012025, OMIM 608389.

Allele frequency attached by ClinVar (database versions not stated): ExAC 0.00007; gnomAD exomes 0.00011 and 0.00027; ESP Exome Variant Server 0.00015; gnomAD 0.00016 and 0.00018; TOPMed 0.00017.
gnomAD v4.1: 410 of 1,613,922 alleles (0.025%); highest among the groups gnomAD compares: Non-Finnish European, 0.034%; no homozygotes.

Submissions (6):

Labcorp Genetics (formerly Invitae), Labcorp
Classification: Uncertain significance for Autosomal dominant nonsyndromic hearing loss 23; Branchiootic syndrome 3. Last evaluated: 2024-10-26. Review status: criteria provided, single submitter. Criteria: Invitae Variant Classification Sherloc (09022015). Collection method: clinical testing. Allele origin: germline.
Comment: This sequence change replaces aspartic acid, which is acidic and polar, with tyrosine, which is neutral and polar, at codon 227 of the SIX1 protein (p.Asp227Tyr). This variant is present in population databases (rs144481204, gnomAD 0.02%). This missense change has been observed in individual(s) with SIX1-related conditions (PMID: 16971658). ClinVar contains an entry for this variant (Variation ID: 633689). Invitae Evidence Modeling of protein sequence and biophysical properties (such as structural, functional, and spatial information, amino acid conservation, physicochemical variation, residue mobility, and thermodynamic stability) indicates that this missense variant is not expected to disrupt SIX1 protein function with a negative predictive value of 80%. In summary, the available evidence is currently insufficient to determine the role of this variant in disease. Therefore, it has been classified as a Variant of Uncertain Significance.

Fulgent Genetics
Classification: Likely benign for Autosomal dominant nonsyndromic hearing loss 23; Branchiootic syndrome 3. Last evaluated: 2024-03-07. Review status: criteria provided, single submitter. Criteria: ACMG Guidelines, 2015. Collection method: clinical testing. Allele origin: germline.

GeneDx
Classification: Likely benign. Last evaluated: 2021-03-25. Review status: criteria provided, single submitter. Criteria: GeneDx Variant Classification Process June 2021. Collection method: clinical testing. Allele origin: germline. Affected: yes.
Comment: This variant is associated with the following publications: (PMID: 16971658)

Illumina Laboratory Services, Illumina
Classification: Benign for Branchiootic syndrome 3. Last evaluated: 2017-09-07. Review status: criteria provided, single submitter. Criteria: ICSL Variant Classification Criteria 13 December 2019. Collection method: clinical testing. Allele origin: germline.
Comment: This variant was observed as part of a predisposition screen in an ostensibly healthy population. A literature search was performed for the gene, cDNA change, and amino acid change (where applicable). Publications were found based on this search. The evidence from the literature, in combination with allele frequency data from public databases where available, was sufficient to rule this variant out of causing disease. Therefore, this variant is classified as benign.

Illumina Laboratory Services, Illumina
Classification: Uncertain significance for Autosomal dominant nonsyndromic hearing loss 23. Last evaluated: 2017-09-07. Review status: criteria provided, single submitter. Criteria: ICSL Variant Classification Criteria 13 December 2019. Collection method: clinical testing. Allele origin: germline.

Gharavi Laboratory, Columbia University
Classification: Likely benign. Last evaluated: 2018-09-16. Review status: no assertion criteria provided. Criteria: ACMG Guidelines, 2015. Collection method: research. Allele origin: germline. Affected: no. Not counted in ClinVar's aggregate classification.

Literature cited by the submitters: PubMed 16971658 (cited by Labcorp Genetics (formerly Invitae), Labcorp and Illumina Laboratory Services, Illumina).